The following is an entry in ClinVar:

ClinVar aggregate classification (germline): Uncertain significance (1 of 4 stars; one submission).

Conditions:
Inborn genetic diseases. Identifiers: MedGen C0950123, MeSH D030342.

Submission:

Ambry Genetics
Classification: Uncertain significance for Inborn genetic diseases. Last evaluated: 2022-03-01. Review status: criteria provided, single submitter. Criteria: Ambry Variant Classification Scheme 2023. Collection method: clinical testing. Allele origin: germline.
Comment: The p.K667M variant (also known as c.2000A>T), located in coding exon 15 of the BUB1B gene, results from an A to T substitution at nucleotide position 2000. The lysine at codon 667 is replaced by methionine, an amino acid with similar properties. This amino acid position is conserved. In addition, this alteration is predicted to be tolerated by in silico analysis. Since supporting evidence is limited at this time, the clinical significance of this alteration remains unclear.

NM_001211.6(BUB1B):c.2000A>T (p.Lys667Met)

Gene: BUB1B (BUB1 mitotic checkpoint serine/threonine kinase B; plus strand). Cytogenetic location: 15q15.1.
Variant type: single nucleotide variant.
Coding change: c.2000A>T on transcript NM_001211.6 (MANE Select); coding-DNA position 2000, A replaced by T.
Protein change: p.Lys667Met; replaces lysine 667 with methionine.
Molecular consequence: missense variant.
Genome position (GRCh38, 1-based): chr15:40,206,449, A>T. VCF-style: chr15-40206449-A-T. GRCh37 (hg19) VCF-style: chr15-40498650-A-T.
Other names: short protein forms K667M.
Identifiers: ClinVar variation 1784230 (VCV001784230.2), dbSNP rs2542565239, ClinGen allele CA391692938.